The following is an entry in ClinVar:

ClinVar aggregate classification (germline): Pathogenic (1 of 4 stars; one submission).

Submission:

GeneDx
Classification: Pathogenic. Last evaluated: 2016-11-03. Review status: criteria provided, single submitter. Criteria: GeneDx Variant Classification (06012015). Collection method: clinical testing. Allele origin: germline. Affected: yes.
Comment: The c.1763dupC variant in the SALL1 gene has not been reported previously as a pathogenic variant nor as a benign variant, to our knowledge. The c.1763dupC variant causes a frameshift starting with codon Glycine 589, changes this amino acid to an Arginine residue, and creates a premature Stop codon at position 6 of the new reading frame, denoted p.Gly589ArgfsX6. This variant is predicted to cause loss of normal protein function either through protein truncation or nonsense-mediated mRNA decay. The c.1763dupC variant was not observed in approximately 6500 individuals of European and African American ancestry in the NHLBI Exome Sequencing Project, indicating it is not a common benign variant in these populations. We interpret c.1763dupC as a pathogenic variant.

NM_002968.3(SALL1):c.1763dup (p.Gly589fs)

Gene: SALL1 (spalt like transcription factor 1; minus strand). Cytogenetic location: 16q12.1.
Variant type: Duplication.
Coding change: c.1763dup on transcript NM_002968.3 (MANE Select); coding-DNA position 1763, one base duplicated (C; older notation c.1763dupC).
Protein change: p.Gly589fs; shifts the reading frame from glycine 589.
Molecular consequence: frameshift variant.
Genome position (GRCh38, 1-based): chr16:51,140,459, G duplicated on the plus strand (C on the coding strand, the reverse complement: SALL1 is on the minus strand); the first of 6 consecutive G bases (chr16:51,140,459-51,140,464); duplicating any one gives the same sequence. VCF-style (leftmost placement, unchanged base first): chr16-51140458-T-TG. GRCh37 (hg19) VCF-style: chr16-51174369-T-TG.
Other names: c.1472dup, p.Gly492fs (NM_001127892.2); c.1763dupC (NM_002968.2); short protein forms G492fs, G589fs.
Identifiers: ClinVar variation 373123 (VCV000373123.2), dbSNP rs1057518232, ClinGen allele CA16042945.
Genomic context (GRCh38, chr16:51,140,458, plus strand): 5'-GAGCCCACCTAGGTTTCTTGTGGCTGACTCAGGGCCCCCGGAGTCACTTTTGACTGAGCC[T>TG]GGGGGGCTGGTGGCAGAATGGCTGATGGGGATGGGGGCTGGCTCTTCCGTCTTGATGAAG-3'